The following is an entry in ClinVar:

ClinVar aggregate classification (germline): Uncertain significance (1 of 4 stars; one submission).

Conditions:
Developmental and epileptic encephalopathy, 29 (DEE29). Also called: Epileptic encephalopathy, early infantile, 29. Identifiers: Orphanet 442835, MedGen C4225361, MONDO:0014593, OMIM 616339.

Submission:

3billion
Classification: Uncertain significance for Developmental and epileptic encephalopathy, 29. Last evaluated: 2022-05-22. Review status: criteria provided, single submitter. Criteria: ACMG Guidelines, 2015. Collection method: clinical testing. Allele origin: germline. Affected: yes. Observed: 1 heterozygote.
Comment: The variant is not observed in the gnomAD v2.1.1 dataset. It is in trans with the NM_001605.3:c.241A>G variant (3billion dataset). In silico tool predictions suggest damaging effect of the variant on gene or gene product (REVEL: 0.88; 3Cnet: 0.88). Therefore, this variant is classified as uncertain significanceaccording to the recommendation of ACMG/AMP guideline.

NM_001605.3(AARS1):c.161T>C (p.Leu54Pro)

Gene: AARS1 (alanyl-tRNA synthetase 1; minus strand). Cytogenetic location: 16q22.1.
Variant type: single nucleotide variant.
Coding change: c.161T>C on transcript NM_001605.3 (MANE Select); coding-DNA position 161, T replaced by C.
Protein change: p.Leu54Pro; replaces leucine 54 with proline.
Molecular consequence: missense variant.
Genome position (GRCh38, 1-based): chr16:70,277,138, A>G on the plus strand (T>C on the coding strand, the complement: AARS1 is on the minus strand). VCF-style: chr16-70277138-A-G. GRCh37 (hg19) VCF-style: chr16-70311041-A-G.
Other names: short protein forms L54P.
Identifiers: ClinVar variation 1687325 (VCV001687325.1), dbSNP rs2152167069, ClinGen allele CA396569821.
Genomic context (GRCh38, chr16:70,277,138, plus strand): 5'-TTCTGGGTATTGGCAGCTCTGCTCAGCTTTGCCATGGGGTGAGATGGGTCAATTGTGTTC[A>G]GGAAAATGGGTTTAAACTAAAAGAGAAGGACAGCAGTTCAACTTTTAAAGGGTGCAAGTG-3'
Protein context (NP_001596.2, residues 44-64): AGMNQFKPIF[Leu54Pro]NTIDPSHPMA